The following is an entry in ClinVar:

NM_000243.3(MEFV):c.367C>G (p.His123Asp)

Gene: MEFV (MEFV innate immunity regulator, pyrin; minus strand). Cytogenetic location: 16p13.3.
Variant type: single nucleotide variant.
Coding change: c.367C>G on transcript NM_000243.3 (MANE Select); coding-DNA position 367, C replaced by G.
Protein change: p.His123Asp; replaces histidine 123 with aspartic acid.
Molecular consequence: missense variant. On other transcripts: intron variant (1).
Genome position (GRCh38, 1-based): chr16:3,254,701, G>C on the plus strand (C>G on the coding strand, the complement: MEFV is on the minus strand). VCF-style: chr16-3254701-G-C. GRCh37 (hg19) VCF-style: chr16-3304701-G-C.
Other names: c.277+1610C>G (NM_001198536.2); short protein forms H123D.
Identifiers: ClinVar variation 1394981 (VCV001394981.6), dbSNP rs1959090836, ClinGen allele CA394482090.
Genomic context (GRCh38, chr16:3,254,701, plus strand): 5'-GCAGGCTGGCAGCTCCGCCCCCGTACGGCCGAGGGCCGTTCCCCTCGTTCCCCTCGGGGT[G>C]GTCTGGAGTCTTCAGGCTCCTGGGCTTGTTCTCCCCCAGGGAGCTGGACGCTGCGGAATC-3'
Protein context (NP_000234.1, residues 113-133): NKPRSLKTPD[His123Asp]PEGNEGNGPR

ClinVar aggregate classification (germline): Uncertain significance (1 of 4 stars; one submission).

Conditions:
Familial Mediterranean fever (FMF). Also called: Periodic peritonitis; Benign paroxysmal peritonitis; POLYSEROSITIS, FAMILIAL PAROXYSMAL; POLYSEROSITIS, RECURRENT. Identifiers: Orphanet 342, MedGen C0031069, MONDO:0018088, OMIM 249100. Disease mechanism: gain of function.

Submission:

Labcorp Genetics (formerly Invitae), Labcorp
Classification: Uncertain significance for Familial Mediterranean fever. Last evaluated: 2025-05-05. Review status: criteria provided, single submitter. Criteria: Invitae Variant Classification Sherloc (09022015). Collection method: clinical testing. Allele origin: germline.
Comment: This sequence change replaces histidine, which is basic and polar, with aspartic acid, which is acidic and polar, at codon 123 of the MEFV protein (p.His123Asp). This variant is not present in population databases (gnomAD no frequency). This variant has not been reported in the literature in individuals affected with MEFV-related conditions. ClinVar contains an entry for this variant (Variation ID: 1394981). An algorithm developed to predict the effect of missense changes on protein structure and function outputs the following: PolyPhen-2: "Benign". The aspartic acid amino acid residue is found in multiple mammalian species, which suggests that this missense change does not adversely affect protein function. In summary, the available evidence is currently insufficient to determine the role of this variant in disease. Therefore, it has been classified as a Variant of Uncertain Significance.